The following is an entry in ClinVar:

ClinVar aggregate classification (germline): Uncertain significance (1 of 4 stars; one submission).

Submission:

Labcorp Genetics (formerly Invitae), Labcorp
Classification: Uncertain significance. Last evaluated: 2024-10-21. Review status: criteria provided, single submitter. Criteria: Invitae Variant Classification Sherloc (09022015). Collection method: clinical testing. Allele origin: germline.
Comment: This sequence change falls in intron 24 of the NBAS gene. It does not directly change the encoded amino acid sequence of the NBAS protein. It affects a nucleotide within the consensus splice site. This variant is not present in population databases (gnomAD no frequency). This variant has not been reported in the literature in individuals affected with NBAS-related conditions. ClinVar contains an entry for this variant (Variation ID: 2020302). Variants that disrupt the consensus splice site are a relatively common cause of aberrant splicing (PMID: 17576681, 9536098). Algorithms developed to predict the effect of sequence changes on RNA splicing suggest that this variant may disrupt the consensus splice site. In summary, the available evidence is currently insufficient to determine the role of this variant in disease. Therefore, it has been classified as a Variant of Uncertain Significance.

Literature cited by the submitters: PubMed 17576681; PubMed 9536098.

NM_015909.4(NBAS):c.2763+5G>A

Gene: NBAS (NBAS subunit of NRZ tethering complex; minus strand). Cytogenetic location: 2p24.3.
Variant type: single nucleotide variant.
Coding change: c.2763+5G>A on transcript NM_015909.4 (MANE Select); 5 bases into the intron after coding-DNA position 2763, G replaced by A.
Molecular consequence: intron variant.
Genome position (GRCh38, 1-based): chr2:15,417,522, C>T on the plus strand (G>A on the coding strand, the complement: NBAS is on the minus strand). VCF-style: chr2-15417522-C-T. GRCh37 (hg19) VCF-style: chr2-15557646-C-T.
Identifiers: ClinVar variation 2020302 (VCV002020302.4), dbSNP rs2529014837, ClinGen allele CA2580063646.